The following is an entry in ClinVar:

ClinVar aggregate classification (germline): Uncertain significance. Review status: criteria provided, single submitter (1 of 4 stars). 2 submissions from 2 submitters: Uncertain significance (1). 1 of the submissions does not count toward it. Last evaluated 2022-08-13.

Conditions:
Glycogen storage disease type III (GSD3). Also called: Cori disease; FORBES DISEASE. Identifiers: Orphanet 366, MedGen C0017922, MONDO:0009291, OMIM 232400.

Allele frequency attached by ClinVar (database versions not stated): gnomAD exomes 0.00002 and 0.00005; gnomAD 0.00003; ExAC 0.00004; TOPMed 0.00004; ESP Exome Variant Server 0.00023.
gnomAD v4.1: 86 of 1,613,362 alleles (0.0053%); highest among the groups gnomAD compares: Non-Finnish European, 0.0066%; no homozygotes.

Submissions (3):

Labcorp Genetics (formerly Invitae), Labcorp
Classification: Uncertain significance for Glycogen storage disease type III. Last evaluated: 2022-08-13. Review status: criteria provided, single submitter. Criteria: Invitae Variant Classification Sherloc (09022015). Collection method: clinical testing. Allele origin: germline.
Comment: This sequence change replaces aspartic acid, which is acidic and polar, with glycine, which is neutral and non-polar, at codon 75 of the AGL protein (p.Asp75Gly). This variant is present in population databases (rs142368729, gnomAD 0.005%). This variant has not been reported in the literature in individuals affected with AGL-related conditions. ClinVar contains an entry for this variant (Variation ID: 569583). Algorithms developed to predict the effect of missense changes on protein structure and function (SIFT, PolyPhen-2, Align-GVGD) all suggest that this variant is likely to be tolerated. Algorithms developed to predict the effect of sequence changes on RNA splicing suggest that this variant may disrupt the consensus splice site. In summary, the available evidence is currently insufficient to determine the role of this variant in disease. Therefore, it has been classified as a Variant of Uncertain Significance.

Natera, Inc.
Classification: Uncertain significance for Glycogen storage disease type III. Last evaluated: 2019-10-28. Review status: no assertion criteria provided. Collection method: clinical testing. Allele origin: germline. Not counted in ClinVar's aggregate classification.

Dr. Peter K. Rogan Lab, Western University
No classification provided (evidence only). Condition: Melanoma. Review status: no classification provided. Collection method: in vitro. Allele origin: not applicable. Functional consequence: retained intron. Not counted in ClinVar's aggregate classification.

NM_000642.3(AGL):c.224A>G (p.Asp75Gly)

Gene: AGL (amylo-alpha-1,6-glucosidase and 4-alpha-glucanotransferase; plus strand). Cytogenetic location: 1p21.2.
Variant type: single nucleotide variant.
Coding change: c.224A>G on transcript NM_000642.3 (MANE Select); coding-DNA position 224, A replaced by G.
Protein change: p.Asp75Gly; replaces aspartic acid 75 with glycine.
Molecular consequence: missense variant.
Genome position (GRCh38, 1-based): chr1:99,861,644, A>G. VCF-style: chr1-99861644-A-G. GRCh37 (hg19) VCF-style: chr1-100327200-A-G.
Other names: c.224A>G, p.Asp75Gly (NM_000028.3, NM_000643.3, NM_000644.3 and 5 more transcripts); c.176A>G, p.Asp59Gly (NM_000646.3); short protein forms D75G, D59G.
Identifiers: ClinVar variation 569583 (VCV000569583.8), dbSNP rs142368729, ClinGen allele CA966092.